The following is an entry in ClinVar:

ClinVar aggregate classification (germline): Likely benign (1 of 4 stars; one submission).

Allele frequency attached by ClinVar (database versions not stated): gnomAD 0.00001.

Submission:

CeGaT Center for Human Genetics Tuebingen
Classification: Likely benign. Last evaluated: 2023-11-01. Review status: criteria provided, single submitter. Criteria: CeGaT Center For Human Genetics Tuebingen Variant Classification Criteria Version 2. Collection method: clinical testing. Allele origin: germline. Affected: yes. Observed: 1 variant allele.
Comment: MUC12: BP4, BP7

NM_001164462.2(MUC12):c.12048C>T (p.Ser4016=)

Gene: MUC12 (mucin 12, cell surface associated; plus strand). Cytogenetic location: 7q22.1.
Variant type: single nucleotide variant.
Coding change: c.12048C>T on transcript NM_001164462.2 (MANE Select); coding-DNA position 12048, C replaced by T.
Protein change: p.Ser4016=; no amino-acid change (serine 4016 retained).
Molecular consequence: synonymous variant.
Genome position (GRCh38, 1-based): chr7:101,002,611, C>T. VCF-style: chr7-101002611-C-T. GRCh37 (hg19) VCF-style: chr7-100645892-C-T.
Identifiers: ClinVar variation 2673120 (VCV002673120.23), dbSNP rs1332052490, ClinGen allele CA456915086.